The following is an entry in ClinVar:

GRCh37/hg19 Xp21.1(chrX:31671937-31872842)x1

Gene: DMD (dystrophin; minus strand). Cytogenetic location: Xp21.1.
Variant type: copy number loss.
Change: copy number 1 of chrX:31,671,937-31,872,842 (200.9 kb, GRCh37 coordinates, 1-based), cytogenetic band Xp21.1.
Identifiers: ClinVar variation 4277347 (VCV004277347.1).

ClinVar aggregate classification (germline): Pathogenic (1 of 4 stars; one submission).

Conditions:
Becker muscular dystrophy (BMD). Also called: MUSCULAR DYSTROPHY, PSEUDOHYPERTROPHIC PROGRESSIVE, BECKER TYPE; Becker Muscular Dystrophy (BMD). Identifiers: Orphanet 98895, MedGen C0917713, MONDO:0010311, OMIM 300376.
Duchenne muscular dystrophy (DMD). Also called: MUSCULAR DYSTROPHY, PSEUDOHYPERTROPHIC PROGRESSIVE, DUCHENNE TYPE; Duchenne Muscular Dystrophy (DMD). Identifiers: Orphanet 98896, MedGen C0013264, MONDO:0010679, OMIM 310200.

Submission:

Hunan Provincial Maternal and Child Health Care Hospital
Classification: Pathogenic for Duchenne muscular dystrophy; Becker muscular dystrophy. Last evaluated: 2024-07-01. Review status: criteria provided, single submitter. Criteria: ACMG/ClinGen CNV Guidelines, 2019. Collection method: clinical testing. Allele origin: maternal. Inheritance: X-linked recessive inheritance. Affected: no.
Comment: This is a copy-number loss (GRCh37: g.31671937_31872842del; ~200.9 kb) overlapping DMD coding sequence. DMD is haploinsufficient, and deletions removing dystrophin exons are a well-established cause of Duchenne/Becker muscular dystrophy. Classified as Pathogenic per ACMG/ClinGen CNV criteria.